The following is an entry in ClinVar:

NM_001267550.2(TTN):c.88665G>A (p.Trp29555Ter)

Genes: TTN (titin; minus strand), TTN-AS1 (TTN antisense RNA 1; plus strand). Cytogenetic location: 2q31.2.
Variant type: single nucleotide variant.
Coding change: c.88665G>A on transcript NM_001267550.2 (MANE Select); coding-DNA position 88665, G replaced by A.
Protein change: p.Trp29555Ter; replaces tryptophan 29555 with a stop codon.
Molecular consequence: nonsense.
Genome position (GRCh38, 1-based): chr2:178,554,682, C>T on the plus strand (G>A on the coding strand, the complement: TTN is on the minus strand). VCF-style: chr2-178554682-C-T. GRCh37 (hg19) VCF-style: chr2-179419409-C-T.
Other names: c.83742G>A, p.Trp27914Ter (NM_001256850.1); c.61470G>A, p.Trp20490Ter (NM_003319.4); c.80961G>A, p.Trp26987Ter (NM_133378.4); c.61845G>A, p.Trp20615Ter (NM_133432.3); c.62046G>A, p.Trp20682Ter (NM_133437.4); short protein forms W20490*, W20615*, W20682*, W26987*, W27914*, W29555*.
Identifiers: ClinVar variation 4293937 (VCV004293937.1).
Genomic context (GRCh38, chr2:178,554,682, plus strand): 5'-CTCACGCTTTTCCACAATGTAGTGAGTGATTTTTGCACCACCATCATCAGCTGGAGGCCG[C>T]CAGAGAAGGGTGATCTTCTCAGCAGTTACAGTCTTAAATTCAATTGGTCCACCAGGTGGG-3'

ClinVar aggregate classification (germline): Likely pathogenic (1 of 4 stars; one submission).

Conditions:
Dilated cardiomyopathy 1G (CMD1G). Identifiers: Orphanet 154, MedGen C1858763, MONDO:0011400, OMIM 604145.

Submission:

3billion
Classification: Likely pathogenic for Dilated cardiomyopathy 1G. Last evaluated: 2025-02-27. Review status: criteria provided, single submitter. Criteria: ACMG Guidelines, 2015. Collection method: clinical testing. Allele origin: germline. Affected: yes.
Comment: The variant is not observed in the gnomAD v4.1.0 dataset. Predicted Consequence/Location: Stop-gained (nonsense): predicted to result in a loss or disruption of normal protein function through nonsense-mediated decay (NMD) or protein truncation. Multiple pathogenic variants are reported downstream of the variant. Therefore, this variant is classified as Likely pathogenic according to the recommendation of ACMG/AMP guideline.